The following is an entry in ClinVar:

ClinVar aggregate classification (germline): Uncertain significance. Review status: criteria provided, single submitter (1 of 4 stars). 2 submissions from 1 submitter: Uncertain significance (2). Last evaluated 2022-10-25.

Conditions:
Developmental and epileptic encephalopathy, 30 (DEE30). Also called: Epileptic encephalopathy, early infantile, 30. Identifiers: MedGen C4225360, MONDO:0014595, OMIM 616341.
Progressive myoclonic epilepsy. Also called: Familial progressive myoclonic epilepsy; Myoclonus epilepsy; Progressive myoclonus epilepsy; Myoclonic Epilepsies, Progressive. Identifiers: Orphanet 308, Orphanet 98261, MedGen C0751778, MONDO:0020074.

Submissions (2):

Labcorp Genetics (formerly Invitae), Labcorp
Classification: Uncertain significance for Progressive myoclonic epilepsy. Last evaluated: 2022-10-25. Review status: criteria provided, single submitter. Criteria: Invitae Variant Classification Sherloc (09022015). Collection method: clinical testing. Allele origin: germline.
Comment: A copy number gain of the genomic region encompassing the full coding sequence of the CSTB gene has been identified. The boundaries of this event are unknown as they extend beyond the assayed region for this gene and therefore may encompass additional genes. As the precise location of this event is unknown, it may be in tandem or it may be located elsewhere in the genome. This variant has not been reported in the literature in individuals affected with CSTB-related conditions. Experimental studies and prediction algorithms are not available or were not evaluated, and the functional significance of this variant is currently unknown. In summary, the available evidence is currently insufficient to determine the role of this variant in disease. Therefore, it has been classified as a Variant of Uncertain Significance.

Labcorp Genetics (formerly Invitae), Labcorp
Classification: Uncertain significance for Developmental and epileptic encephalopathy, 30. Last evaluated: 2022-10-25. Review status: criteria provided, single submitter. Criteria: Invitae Variant Classification Sherloc (09022015). Collection method: clinical testing. Allele origin: germline.
Comment: This variant results in a copy number gain of the genomic region encompassing exon(s) 1-12 of the SIK1 gene. This region includes the initiator codon of the gene. This copy number gain extends beyond the assayed region for this gene and therefore may encompass additional genes. As the precise location of this event is unknown, it may be in tandem or it may be located elsewhere in the genome. This variant has not been reported in the literature in individuals affected with SIK1-related conditions. In summary, the available evidence is currently insufficient to determine the role of this variant in disease. Therefore, it has been classified as a Variant of Uncertain Significance.

NC_000021.8:g.(?_44838120)_(45629566_?)dup

Genes: PDXK (pyridoxal kinase; plus strand), PWP2 (PWP2 small subunit processome component; plus strand), RRP1 (ribosomal RNA processing 1; plus strand), RRP1B (ribosomal RNA processing 1B; plus strand), SIK1 (salt inducible kinase 1; minus strand) and 5 more. Cytogenetic location: 21q22.3.
Variant type: Duplication.
Identifiers: ClinVar variation 832239 (VCV000832239.7).